The following is an entry in ClinVar:

ClinVar aggregate classification (germline): Uncertain significance (1 of 4 stars; one submission).

Submission:

Women's Health and Genetics/Laboratory Corporation of America, LabCorp
Classification: Uncertain significance. Last evaluated: 2018-03-22. Review status: criteria provided, single submitter. Criteria: LabCorp Variant Classification Summary - May 2015. Collection method: clinical testing. Allele origin: germline.
Comment: Variant summary: ATP7B c.3298T>A (p.Cys1100Ser) results in a non-conservative amino acid change located in the nucleotide binding domain of the protein (Hercend 2011). Five of five in-silico tools predict a damaging effect of the variant on protein function. The variant was absent in 246238 control chromosomes (gnomAD). The available data on variant occurrences in the general population are insufficient to allow any conclusion about variant significance. To our knowledge, no occurrence of c.3298T>A in individuals affected with Wilson Disease and no experimental evidence demonstrating its impact on protein function have been reported. No clinical diagnostic laboratories have submitted clinical-significance assessments for this variant to ClinVar after 2014. Based on the evidence outlined above, the variant was classified as VUS-possibly benign.

Literature cited by the submitters: PubMed 22046264.

NM_000053.4(ATP7B):c.3298T>A (p.Cys1100Ser)

Gene: ATP7B (ATPase copper transporting beta; minus strand). Cytogenetic location: 13q14.3.
Variant type: single nucleotide variant.
Coding change: c.3298T>A on transcript NM_000053.4 (MANE Select); coding-DNA position 3298, T replaced by A.
Protein change: p.Cys1100Ser; replaces cysteine 1100 with serine.
Molecular consequence: missense variant.
Genome position (GRCh38, 1-based): chr13:51,942,500, A>T on the plus strand (T>A on the coding strand, the complement: ATP7B is on the minus strand). VCF-style: chr13-51942500-A-T. GRCh37 (hg19) VCF-style: chr13-52516636-A-T.
Other names: c.2677T>A, p.Cys893Ser (NM_001005918.3); c.2965T>A, p.Cys989Ser (NM_001243182.2); c.3064T>A, p.Cys1022Ser (NM_001330578.2); c.3046T>A, p.Cys1016Ser (NM_001330579.2); short protein forms C1100S, C893S, C1016S, C1022S, C989S.
Identifiers: ClinVar variation 633070 (VCV000633070.1), dbSNP rs1566468882, ClinGen allele CA388028574.